The following is an entry in ClinVar:

NM_006267.5(RANBP2):c.8555A>G (p.Asp2852Gly)

Gene: RANBP2 (RAN binding protein 2; plus strand). Cytogenetic location: 2q13.
Variant type: single nucleotide variant.
Coding change: c.8555A>G on transcript NM_006267.5 (MANE Select); coding-DNA position 8555, A replaced by G.
Protein change: p.Asp2852Gly; replaces aspartic acid 2852 with glycine.
Molecular consequence: missense variant.
Genome position (GRCh38, 1-based): chr2:108,777,187, A>G. VCF-style: chr2-108777187-A-G. GRCh37 (hg19) VCF-style: chr2-109393643-A-G.
Other names: c.8633A>G, p.Asp2878Gly (NM_001415871.1); c.8552A>G, p.Asp2851Gly (NM_001415872.1); c.8579A>G, p.Asp2860Gly (NM_001415873.1); short protein forms D2851G, D2852G, D2860G, D2878G.
Identifiers: ClinVar variation 2577630 (VCV002577630.1), dbSNP rs2467719482, ClinGen allele CA348083671.
Genomic context (GRCh38, chr2:108,777,187, plus strand): 5'-CAGGGGAAAGCAAGATAGTTTCATTTGGATTTGGAAGTAGCACAGGGCTCTCATTTGCAG[A>G]CTTGGCTTCCAGTAATTCTGGAGATTTTGCTTTTGGTTCTAAAGGTAAGATCAAGAGGAG-3'
Protein context (NP_006258.3, residues 2842-2862): FGSSTGLSFA[Asp2852Gly]LASSNSGDFA

ClinVar aggregate classification (germline): Uncertain significance (1 of 4 stars; one submission).

Submission:

GeneDx
Classification: Uncertain significance. Last evaluated: 2023-02-23. Review status: criteria provided, single submitter. Criteria: GeneDx Variant Classification Process June 2021. Collection method: clinical testing. Allele origin: germline. Affected: yes.
Comment: Not observed at significant frequency in large population cohorts (gnomAD); In silico analysis supports that this missense variant has a deleterious effect on protein structure/function; Has not been previously published as pathogenic or benign to our knowledge